The following is an entry in ClinVar:

NM_001692.4(ATP6V1B1):c.1279C>A (p.Gln427Lys)

Gene: ATP6V1B1 (ATPase H+ transporting V1 subunit B1; plus strand). Cytogenetic location: 2p13.3.
Variant type: single nucleotide variant.
Coding change: c.1279C>A on transcript NM_001692.4 (MANE Select); coding-DNA position 1279, C replaced by A.
Protein change: p.Gln427Lys; replaces glutamine 427 with lysine.
Molecular consequence: missense variant.
Genome position (GRCh38, 1-based): chr2:70,964,766, C>A. VCF-style: chr2-70964766-C-A. GRCh37 (hg19) VCF-style: chr2-71191896-C-A.
Other names: short protein forms Q427K.
Identifiers: ClinVar variation 1019477 (VCV001019477.3), dbSNP rs782037104, ClinGen allele CA1701327.

ClinVar aggregate classification (germline): Uncertain significance (1 of 4 stars; one submission).

Allele frequency attached by ClinVar (database versions not stated): gnomAD exomes below 0.00001; TOPMed below 0.00001; ExAC 0.00001.

Submission:

Labcorp Genetics (formerly Invitae), Labcorp
Classification: Uncertain significance. Last evaluated: 2025-12-31. Review status: criteria provided, single submitter. Criteria: Invitae Variant Classification Sherloc (09022015). Collection method: clinical testing. Allele origin: germline.
Comment: This sequence change replaces glutamine, which is neutral and polar, with lysine, which is basic and polar, at codon 427 of the ATP6V1B1 protein (p.Gln427Lys). The frequency data for this variant in the population databases is considered unreliable, as metrics indicate poor data quality at this position in the gnomAD database. This variant has not been reported in the literature in individuals affected with ATP6V1B1-related conditions. ClinVar contains an entry for this variant (Variation ID: 1019477). Invitae Evidence Modeling of protein sequence and biophysical properties (such as structural, functional, and spatial information, amino acid conservation, physicochemical variation, residue mobility, and thermodynamic stability) indicates that this missense variant is not expected to disrupt ATP6V1B1 protein function with a negative predictive value of 95%. In summary, the available evidence is currently insufficient to determine the role of this variant in disease. Therefore, it has been classified as a Variant of Uncertain Significance.